The following is an entry in ClinVar:

NM_006059.4(LAMC3):c.697G>A (p.Glu233Lys)

Gene: LAMC3 (laminin subunit gamma 3; plus strand). Cytogenetic location: 9q34.12.
Variant type: single nucleotide variant.
Coding change: c.697G>A on transcript NM_006059.4 (MANE Select); coding-DNA position 697, G replaced by A.
Protein change: p.Glu233Lys; replaces glutamic acid 233 with lysine.
Molecular consequence: missense variant.
Genome position (GRCh38, 1-based): chr9:131,032,063, G>A. VCF-style: chr9-131032063-G-A. GRCh37 (hg19) VCF-style: chr9-133907450-G-A.
Other names: c.697G>A (NM_006059.3); short protein forms E233K.
Identifiers: ClinVar variation 1511767 (VCV001511767.7), dbSNP rs1161249325, ClinGen allele CA375254183.

ClinVar aggregate classification (germline): Uncertain significance. Review status: criteria provided, multiple submitters, no conflicts (2 of 4 stars). 2 submissions from 2 submitters: Uncertain significance (2). Last evaluated 2025-08-31.

Conditions:
Inborn genetic diseases. Identifiers: MedGen C0950123, MeSH D030342.

Allele frequency attached by ClinVar (database versions not stated): gnomAD exomes below 0.00001 and 0.00001; TOPMed below 0.00001.
gnomAD v4.1: 10 of 1,613,996 alleles (0.00062%); highest among the groups gnomAD compares: Middle Eastern, 0.016%; no homozygotes.

Submissions (2):

Ambry Genetics
Classification: Uncertain significance for Inborn genetic diseases. Last evaluated: 2025-08-31. Review status: criteria provided, single submitter. Criteria: Ambry Variant Classification Scheme 2023. Collection method: clinical testing. Allele origin: germline.

Labcorp Genetics (formerly Invitae), Labcorp
Classification: Uncertain significance. Last evaluated: 2022-04-06. Review status: criteria provided, single submitter. Criteria: Invitae Variant Classification Sherloc (09022015). Collection method: clinical testing. Allele origin: germline.
Comment: This sequence change replaces glutamic acid, which is acidic and polar, with lysine, which is basic and polar, at codon 233 of the LAMC3 protein (p.Glu233Lys). This variant is present in population databases (no rsID available, gnomAD 0.006%). This variant has not been reported in the literature in individuals affected with LAMC3-related conditions. Algorithms developed to predict the effect of missense changes on protein structure and function are either unavailable or do not agree on the potential impact of this missense change (SIFT: "Tolerated"; PolyPhen-2: "Possibly Damaging"; Align-GVGD: "Class C0"). In summary, the available evidence is currently insufficient to determine the role of this variant in disease. Therefore, it has been classified as a Variant of Uncertain Significance.